The following is an entry in ClinVar:

NM_014795.4(ZEB2):c.2471T>C (p.Met824Thr)

Gene: ZEB2 (zinc finger E-box binding homeobox 2; minus strand). Cytogenetic location: 2q22.3.
Variant type: single nucleotide variant.
Coding change: c.2471T>C on transcript NM_014795.4 (MANE Select); coding-DNA position 2471, T replaced by C.
Protein change: p.Met824Thr; replaces methionine 824 with threonine.
Molecular consequence: missense variant.
Genome position (GRCh38, 1-based): chr2:144,398,716, A>G on the plus strand (T>C on the coding strand, the complement: ZEB2 is on the minus strand). VCF-style: chr2-144398716-A-G. GRCh37 (hg19) VCF-style: chr2-145156283-A-G.
Other names: c.2399T>C, p.Met800Thr (NM_001171653.2); short protein forms M824T, M800T.
Identifiers: ClinVar variation 450276 (VCV000450276.15), dbSNP rs1553961536, ClinGen allele CA348708208.

ClinVar aggregate classification (germline): Conflicting classifications of pathogenicity. Review status: criteria provided, conflicting classifications (1 of 4 stars). 4 submissions from 4 submitters: Uncertain significance (3); Benign (1). Last evaluated 2025-08-04.

Conditions:
Mowat-Wilson syndrome (MOWS). Also called: Classic Mowat-Wilson Syndrome. Identifiers: Orphanet 2152, MedGen C1856113, MONDO:0009341, OMIM 235730.

Allele frequency attached by ClinVar (database versions not stated): gnomAD exomes below 0.00001.
gnomAD v4.1: 1 of 1,613,998 alleles (0.000062%); highest among the groups gnomAD compares: Admixed American, 0.0017%; no homozygotes.

Submissions (4):

Labcorp Genetics (formerly Invitae), Labcorp
Classification: Benign for Mowat-Wilson syndrome. Last evaluated: 2025-08-04. Review status: criteria provided, single submitter. Criteria: Invitae Variant Classification Sherloc (09022015). Collection method: clinical testing. Allele origin: germline.

Fulgent Genetics
Classification: Uncertain significance for Mowat-Wilson syndrome. Last evaluated: 2022-03-31. Review status: criteria provided, single submitter. Criteria: ACMG Guidelines, 2015. Collection method: clinical testing. Allele origin: unknown.

Genome-Nilou Lab
Classification: Uncertain significance for Mowat-Wilson syndrome. Last evaluated: 2021-11-07. Review status: criteria provided, single submitter. Criteria: ACMG Guidelines, 2015. Collection method: clinical testing. Allele origin: germline. Affected: no.

GeneDx
Classification: Uncertain significance. Last evaluated: 2017-07-07. Review status: criteria provided, single submitter. Criteria: GeneDx Variant Classification (06012015). Collection method: clinical testing. Allele origin: germline. Affected: yes.
Comment: A variant of uncertain significance has been identified in the ZEB2 gene. The M824T variant has not been published as a pathogenic variant, nor has it been reported as a benign variant to our knowledge. The M824T variant is not observed in large population cohorts (Lek et al., 2016; 1000 Genomes Consortium et al., 2015; Exome Variant Server). The M824T variant is a non-conservative amino acid substitution, which is likely to impact secondary protein structure as these residues differ in polarity, charge, size and/or other properties. However, this substitution occurs at a position where amino acids with similar properties to Methionine are tolerated across species. Additionally, missense variants in the ZEB2 gene are rare and have been identified in less than 2% of patients with Mowat-Wilson syndrome (Garavelli et al., 2009). In silico analysis is inconsistent in its predictions as to whether or not the variant is damaging to the protein structure/function. Based on the currently available information, it is unclear whether this variant is a pathogenic variant or a rare benign variant.